The following is an entry in ClinVar:

NM_001378609.3(OTOGL):c.3607+4A>G

Gene: OTOGL (otogelin like; plus strand). Cytogenetic location: 12q21.31.
Variant type: single nucleotide variant.
Coding change: c.3607+4A>G on transcript NM_001378609.3 (MANE Select); 4 bases into the intron after coding-DNA position 3607, A replaced by G.
Molecular consequence: intron variant.
Genome position (GRCh38, 1-based): chr12:80,313,636, A>G. VCF-style: chr12-80313636-A-G. GRCh37 (hg19) VCF-style: chr12-80707416-A-G.
Other names: c.3472+4A>G (NM_001368062.3); c.3607+4A>G (NM_001378610.3, NM_173591.7).
Identifiers: ClinVar variation 2503292 (VCV002503292.1), dbSNP rs1886793905, ClinGen allele CA2049188141.
Genomic context (GRCh38, chr12:80,313,636, plus strand): 5'-CATACAAGTGTTGTCAGGAAGGAATATCAATTCATTGGAGATCATCTACTGTTTGTTGTA[A>G]GTACCCTACTTAGAACATCATTATGTAGAGAACTGATAAAGAGATACATATTAATTGTTG-3'

ClinVar aggregate classification (germline): Uncertain significance (1 of 4 stars; one submission).

Submission:

GeneDx
Classification: Uncertain significance. Last evaluated: 2022-11-23. Review status: criteria provided, single submitter. Criteria: GeneDx Variant Classification Process June 2021. Collection method: clinical testing. Allele origin: germline. Affected: yes.
Comment: Not observed at significant frequency in large population cohorts (gnomAD); Has not been previously published as pathogenic or benign to our knowledge; In silico analysis suggests this variant may impact gene splicing. In the absence of RNA/functional studies, the actual effect of this sequence change is unknown.